The following is an entry in ClinVar:

NM_001572.5(IRF7):c.714G>A (p.Trp238Ter)

Gene: IRF7 (interferon regulatory factor 7; minus strand). Cytogenetic location: 11p15.5.
Variant type: single nucleotide variant.
Coding change: c.714G>A on transcript NM_001572.5 (MANE Select); coding-DNA position 714, G replaced by A.
Protein change: p.Trp238Ter; replaces tryptophan 238 with a stop codon.
Molecular consequence: nonsense. On other transcripts: intron variant (1).
Genome position (GRCh38, 1-based): chr11:614,003, C>T on the plus strand (G>A on the coding strand, the complement: IRF7 is on the minus strand). VCF-style: chr11-614003-C-T. GRCh37 (hg19) VCF-style: chr11-614003-C-T.
Other names: c.753G>A, p.Trp251Ter (NM_004031.4); c.680-138G>A (NM_004029.4); short protein forms W251*, W238*.
Identifiers: ClinVar variation 2902678 (VCV002902678.3), dbSNP rs1322840804, ClinGen allele CA378980280.

ClinVar aggregate classification (germline): Uncertain significance (1 of 4 stars; one submission).

Conditions:
Immunodeficiency 39 (IMD39). Identifiers: Orphanet 574918, MedGen C4225358, MONDO:0014597, OMIM 616345.

Allele frequency attached by ClinVar (database versions not stated): gnomAD exomes below 0.00001; TOPMed below 0.00001; gnomAD 0.00001.

Submission:

Labcorp Genetics (formerly Invitae), Labcorp
Classification: Uncertain significance for Immunodeficiency 39. Last evaluated: 2023-08-07. Review status: criteria provided, single submitter. Criteria: Invitae Variant Classification Sherloc (09022015). Collection method: clinical testing. Allele origin: germline.
Comment: In summary, the available evidence is currently insufficient to determine the role of this variant in disease. Therefore, it has been classified as a Variant of Uncertain Significance. This variant has not been reported in the literature in individuals affected with IRF7-related conditions. This variant is not present in population databases (gnomAD no frequency). This sequence change creates a premature translational stop signal (p.Trp251*) in the IRF7 gene. It is expected to result in an absent or disrupted protein product. However, the current clinical and genetic evidence is not sufficient to establish whether loss-of-function variants in IRF7 cause disease.